The following is an entry in ClinVar:

ClinVar aggregate classification (germline): Uncertain significance (1 of 4 stars; one submission).

Allele frequency attached by ClinVar (database versions not stated): TOPMed 0.00002.

Submission:

Labcorp Genetics (formerly Invitae), Labcorp
Classification: Uncertain significance. Last evaluated: 2025-02-23. Review status: criteria provided, single submitter. Criteria: Invitae Variant Classification Sherloc (09022015). Collection method: clinical testing. Allele origin: germline.
Comment: This sequence change replaces serine, which is neutral and polar, with cysteine, which is neutral and slightly polar, at codon 169 of the FBXO11 protein (p.Ser169Cys). This variant is not present in population databases (gnomAD no frequency). This variant has not been reported in the literature in individuals affected with FBXO11-related conditions. ClinVar contains an entry for this variant (Variation ID: 2808760). An algorithm developed to predict the effect of missense changes on protein structure and function (PolyPhen-2) suggests that this variant is likely to be disruptive. In summary, the available evidence is currently insufficient to determine the role of this variant in disease. Therefore, it has been classified as a Variant of Uncertain Significance.

NM_001190274.2(FBXO11):c.506C>G (p.Ser169Cys)

Gene: FBXO11 (F-box protein 11; minus strand). Cytogenetic location: 2p16.3.
Variant type: single nucleotide variant.
Coding change: c.506C>G on transcript NM_001190274.2 (MANE Select); coding-DNA position 506, C replaced by G.
Protein change: p.Ser169Cys; replaces serine 169 with cysteine.
Molecular consequence: missense variant.
Genome position (GRCh38, 1-based): chr2:47,838,940, G>C on the plus strand (C>G on the coding strand, the complement: FBXO11 is on the minus strand). VCF-style: chr2-47838940-G-C. GRCh37 (hg19) VCF-style: chr2-48066079-G-C.
Other names: c.254C>G, p.Ser85Cys (NM_001374325.1, NM_025133.4); short protein forms S169C, S85C.
Identifiers: ClinVar variation 2808760 (VCV002808760.3), dbSNP rs1421793071, ClinGen allele CA346813049.